The following is an entry in ClinVar:

NM_000432.4(MYL2):c.80A>G (p.Gln27Arg)

Genes: MYL2 (myosin light chain 2; minus strand), LOC114827850 (VISTA enhancer hs2149; plus strand). Cytogenetic location: 12q24.11.
Variant type: single nucleotide variant.
Coding change: c.80A>G on transcript NM_000432.4 (MANE Select); coding-DNA position 80, A replaced by G.
Protein change: p.Gln27Arg; replaces glutamine 27 with arginine.
Molecular consequence: missense variant.
Genome position (GRCh38, 1-based): chr12:110,919,117, T>C on the plus strand (A>G on the coding strand, the complement: MYL2 is on the minus strand). VCF-style: chr12-110919117-T-C. GRCh37 (hg19) VCF-style: chr12-111356921-T-C.
Other names: short protein forms Q27R.
Identifiers: ClinVar variation 43481 (VCV000043481.17), dbSNP rs397516408, ClinGen allele CA010526.
Genomic context (GRCh38, chr12:110,919,117, plus strand): 5'-GTGGGTGGGATTTCCATCCAGGCGGATGATTCAATAGCTGCACCCACCTCCTTAAATTCC[T>C]GGATTTGGGTCTGTTCGAACATGGAGAACACGTTGGAGTTGGCGCCCCCGGCTCTCTTCT-3'
Protein context (NP_000423.2, residues 17-37): VFSMFEQTQI[Gln27Arg]EFKEAFTIMD

ClinVar aggregate classification (germline): Conflicting classifications of pathogenicity. Review status: criteria provided, conflicting classifications (1 of 4 stars). 4 submissions from 4 submitters: Pathogenic (1); Likely pathogenic (2); Uncertain significance (1). Last evaluated 2022-12-02.

Conditions:
MYL2-related disorder. Also called: MYL2-related condition; MYL2-related disease; MYL2-related disorders.
Hypertrophic cardiomyopathy 10. Also called: CARDIOMYOPATHY, HYPERTROPHIC, MID-LEFT VENTRICULAR CHAMBER TYPE, 2; MYL2-Related Familial Hypertrophic Cardiomyopathy. Identifiers: MedGen C1834460, MONDO:0012112, OMIM 608758.
Primary familial hypertrophic cardiomyopathy (HCM). Identifiers: Orphanet 99739, MedGen C0949658, MeSH D024741, MONDO:0024573. Inheritance: Various modes of inheritance.
Hypertrophic cardiomyopathy. Also called: HYPERTROPHIC MYOCARDIOPATHY. Identifiers: Orphanet 217569, MedGen C0007194, MeSH D002312, MONDO:0005045, HP:0001639.

Submissions (4):

Blueprint Genetics
Classification: Pathogenic for MYL2-related disorders. Last evaluated: 2022-12-02. Review status: criteria provided, single submitter. Criteria: ACMG Guidelines, 2015. Collection method: clinical testing. Allele origin: germline. Affected: yes. Observed: 2 variant alleles.

Labcorp Genetics (formerly Invitae), Labcorp
Classification: Uncertain significance for Hypertrophic cardiomyopathy 10. Last evaluated: 2022-04-25. Review status: criteria provided, single submitter. Criteria: Invitae Variant Classification Sherloc (09022015). Collection method: clinical testing. Allele origin: germline.
Comment: ClinVar contains an entry for this variant (Variation ID: 43481). This missense change has been observed in individual(s) with clinical features of hypertrophic cardiomyopathy (PMID: 27532257). This variant is not present in population databases (gnomAD no frequency). This sequence change replaces glutamine, which is neutral and polar, with arginine, which is basic and polar, at codon 27 of the MYL2 protein (p.Gln27Arg). Algorithms developed to predict the effect of missense changes on protein structure and function are either unavailable or do not agree on the potential impact of this missense change (SIFT: "Tolerated"; PolyPhen-2: "Possibly Damaging"; Align-GVGD: "Class C0"). In summary, the available evidence is currently insufficient to determine the role of this variant in disease. Therefore, it has been classified as a Variant of Uncertain Significance.

Laboratory for Molecular Medicine, Mass General Brigham Personalized Medicine
Classification: Likely pathogenic for Hypertrophic cardiomyopathy. Last evaluated: 2012-12-10. Review status: criteria provided, single submitter. Criteria: LMM Criteria. Collection method: clinical testing. Allele origin: germline. Observed: 3 variant alleles.
Comment: This variant has also not been identified in large and broad European A merican and African American populations by the NHLBI Exome Sequencing Project; this low frequency is consistent with a disea se causing role but insufficient to establish this with confidence. Glutamine (G ln) at position 27 is highly conserved in mammals and across evolutionarily dist ant species and the change to Arginine (Arg) was predicted to be pathogenic usin g a computational tool clinically validated by our laboratory. This tool's patho genic prediction is estimated to be correct 94% of the time (Jordan 2011). In su mmary, this variant is likely to be pathogenic, though additional studies are re quired to fully establish its clinical significance.

Molecular Diagnostic Laboratory for Inherited Cardiovascular Disease, Montreal Heart Institute
Classification: Likely pathogenic for Primary familial hypertrophic cardiomyopathy. Review status: criteria provided, single submitter. Criteria: ACMG Guidelines, 2015. Collection method: clinical testing. Allele origin: germline. Affected: yes.

Literature cited by the submitters: PubMed 27532257 (cited by Labcorp Genetics (formerly Invitae), Labcorp).